The following is an entry in ClinVar:

NM_006766.5(KAT6A):c.2266C>T (p.His756Tyr)

Gene: KAT6A (lysine acetyltransferase 6A; minus strand). Cytogenetic location: 8p11.21.
Variant type: single nucleotide variant.
Coding change: c.2266C>T on transcript NM_006766.5 (MANE Select); coding-DNA position 2266, C replaced by T.
Protein change: p.His756Tyr; replaces histidine 756 with tyrosine.
Molecular consequence: missense variant.
Genome position (GRCh38, 1-based): chr8:41,942,963, G>A on the plus strand (C>T on the coding strand, the complement: KAT6A is on the minus strand). VCF-style: chr8-41942963-G-A. GRCh37 (hg19) VCF-style: chr8-41800481-G-A.
Other names: c.2266C>T, p.His756Tyr (NM_001305878.2); short protein forms H756Y.
Identifiers: ClinVar variation 2446141 (VCV002446141.2), dbSNP rs2486775283, ClinGen allele CA371072850.

ClinVar aggregate classification (germline): Uncertain significance (1 of 4 stars; one submission).

Submission:

GeneDx
Classification: Uncertain significance. Last evaluated: 2025-07-10. Review status: criteria provided, single submitter. Criteria: GeneDx Variant Classification Process June 2021. Collection method: clinical testing. Allele origin: germline.
Comment: Not observed at significant frequency in large population cohorts (gnomAD); In silico analysis supports that this missense variant has a deleterious effect on protein structure/function; Has not been previously published as pathogenic or benign to our knowledge